The following is an entry in ClinVar:

NM_022835.3(PLEKHG2):c.1677+3G>A

Gene: PLEKHG2 (pleckstrin homology and RhoGEF domain containing G2; plus strand). Cytogenetic location: 19q13.2.
Variant type: single nucleotide variant.
Coding change: c.1677+3G>A on transcript NM_022835.3 (MANE Select); 3 bases into the intron after coding-DNA position 1677, G replaced by A.
Molecular consequence: intron variant.
Genome position (GRCh38, 1-based): chr19:39,422,291, G>A. VCF-style: chr19-39422291-G-A. GRCh37 (hg19) VCF-style: chr19-39912931-G-A.
Other names: c.1500+3G>A (NM_001351693.2); c.1677+3G>A (NM_001351694.2).
Identifiers: ClinVar variation 2090150 (VCV002090150.4), dbSNP rs2146009769, ClinGen allele CA2580097238.

ClinVar aggregate classification (germline): Uncertain significance (1 of 4 stars; one submission).

Submission:

Labcorp Genetics (formerly Invitae), Labcorp
Classification: Uncertain significance. Last evaluated: 2024-10-22. Review status: criteria provided, single submitter. Criteria: Invitae Variant Classification Sherloc (09022015). Collection method: clinical testing. Allele origin: germline.
Comment: This sequence change falls in intron 17 of the PLEKHG2 gene. It does not directly change the encoded amino acid sequence of the PLEKHG2 protein. It affects a nucleotide within the consensus splice site. This variant is not present in population databases (gnomAD no frequency). This variant has not been reported in the literature in individuals affected with PLEKHG2-related conditions. ClinVar contains an entry for this variant (Variation ID: 2090150). Variants that disrupt the consensus splice site are a relatively common cause of aberrant splicing (PMID: 17576681, 9536098). Algorithms developed to predict the effect of sequence changes on RNA splicing suggest that this variant is not likely to affect RNA splicing. In summary, the available evidence is currently insufficient to determine the role of this variant in disease. Therefore, it has been classified as a Variant of Uncertain Significance.

Literature cited by the submitters: PubMed 17576681; PubMed 9536098.